The following is an entry in ClinVar:

NM_000051.4(ATM):c.4910-156T>A

Gene: ATM (ATM serine/threonine kinase; plus strand). Cytogenetic location: 11q22.3.
Variant type: single nucleotide variant.
Coding change: c.4910-156T>A on transcript NM_000051.4 (MANE Select); 156 bases into the intron before coding-DNA position 4910, T replaced by A.
Molecular consequence: intron variant.
Genome position (GRCh38, 1-based): chr11:108,297,131, T>A. VCF-style: chr11-108297131-T-A. GRCh37 (hg19) VCF-style: chr11-108167858-T-A.
Other names: c.4910-156T>A (NM_001351834.2).
Identifiers: ClinVar variation 679745 (VCV000679745.2), dbSNP rs56161469, ClinGen allele CA228383889.
Genomic context (GRCh38, chr11:108,297,131, plus strand): 5'-TCTGTTGTCACATATTGCTAATCACTTTCAAAAGAATCTGTTGTATTAAGGAAGTTCAGA[T>A]TCATTCCCTACATATTTTTTGAGCTACTCATGACTTAAAACCTTTTTTAAACTTTATAGA-3'

ClinVar aggregate classification (germline): Benign. Review status: criteria provided, multiple submitters, no conflicts (2 of 4 stars). 2 submissions from 2 submitters: Benign (2). Last evaluated 2018-06-15.

Allele frequency attached by ClinVar (database versions not stated): gnomAD exomes 0.00967; gnomAD 0.02379 and 0.02390; TOPMed 0.02540; 1000 Genomes Project 0.03415; 1000 Genomes Project 30x 0.03529.
gnomAD v4.1: 8,061 of 617,244 alleles (1.3%); highest among the groups gnomAD compares: African/African-American, 7.5%; 226 homozygotes.

Submissions (2):

GeneDx
Classification: Benign. Last evaluated: 2018-06-15. Review status: criteria provided, single submitter. Criteria: GeneDx Variant Classification (06012015). Collection method: clinical testing. Allele origin: germline. Affected: yes.
Comment: This variant is considered likely benign or benign based on one or more of the following criteria: it is a conservative change, it occurs at a poorly conserved position in the protein, it is predicted to be benign by multiple in silico algorithms, and/or has population frequency not consistent with disease.

Breakthrough Genomics
Classification: Benign. Review status: criteria provided, single submitter. Criteria: ACMG Guidelines, 2015. Collection method: not provided. Allele origin: germline. Inheritance: Autosomal recessive inheritance. Affected: yes.